The following is an entry in ClinVar:

ClinVar aggregate classification (germline): Likely pathogenic. Review status: reviewed by expert panel (3 of 4 stars). 2 submissions from 2 submitters: Likely pathogenic (1). 1 of the submissions does not count toward it. Last evaluated 2024-01-30.

Conditions:
Immunodeficiency 104. Also called: IMMUNODEFICIENCY 104, SEVERE COMBINED; Severe combined immunodeficiency, autosomal recessive, T cell-negative, B cell-positive, NK cell-positive; SCID, AUTOSOMAL RECESSIVE, T CELL-NEGATIVE, B CELL-POSITIVE, NK CELL-POSITIVE; Severe Combined Immune Deficiency, Autosomal Recessive, TCell -Negative, B Cell-Positive, NK Cell-Positive, IL7R-Related. Identifiers: MedGen C5676890, MONDO:0012163, OMIM 608971.

Submissions (2):

ClinGen Severe Combined Immunodeficiency Variant Curation Expert Panel, ClinGen
Classification: Likely pathogenic for Immunodeficiency 104. Last evaluated: 2024-01-30. Review status: reviewed by expert panel. Criteria: ClinGen SCID ACMG Specifications IL7R V1.0.0. Collection method: curation. Allele origin: germline. Inheritance: Autosomal recessive inheritance.
Comment: The c.235G>T (p.Glu79Ter) (NM_002185.5) variant in IL7R is a nonsense variant predicted to cause a premature stop codon in biologically-relevant-exon 3/8 leading to nonsense-mediated decay in a gene in which loss-of-function is an established disease mechanism (PVS1 Met). The variant is absent in gnomAD v4 (PM2_supporting). There are no publications for this variant in the literature. As per the SCID VCEP specifications and the Bayesian interpretation of the ACMG/AMP combining rules,1 very strong and 1 supporting criteria results in a Likely Pathogenic classification. In summary, this variant meets the criteria to be classified as Likely Pathogenic variant for autosomal recessive severe combined immunodeficiency due to IL7R deficiency based on the ACMG/AMP criteria applied, as specified by the ClinGen SCID VCEP: PVS1_Met,PM2_supporting (VCEP specifications version 1).

Revvity Omics, Revvity
Classification: Pathogenic for Immunodeficiency 104. Last evaluated: 2020-02-25. Review status: criteria provided, single submitter. Criteria: ACMG Guidelines, 2015. Collection method: clinical testing. Allele origin: germline. Not counted in ClinVar's aggregate classification.

NM_002185.5(IL7R):c.235G>T (p.Glu79Ter)

Gene: IL7R (interleukin 7 receptor; plus strand). Cytogenetic location: 5p13.2.
Variant type: single nucleotide variant.
Coding change: c.235G>T on transcript NM_002185.5 (MANE Select); coding-DNA position 235, G replaced by T.
Protein change: p.Glu79Ter; replaces glutamic acid 79 with a stop codon.
Molecular consequence: nonsense. On other transcripts: non-coding transcript variant (1).
Genome position (GRCh38, 1-based): chr5:35,867,319, G>T. VCF-style: chr5-35867319-G-T. GRCh37 (hg19) VCF-style: chr5-35867421-G-T.
Other names: NM_002185.5(IL7R):c.235G>T; p.Glu79Ter; short protein forms E79*.
Identifiers: ClinVar variation 1323115 (VCV001323115.4), dbSNP rs1354581284, ClinGen allele CA359427654.